The following is an entry in ClinVar:

NM_002246.3(KCNK3):c.635A>G (p.Gln212Arg)

Gene: KCNK3 (potassium two pore domain channel subfamily K member 3; plus strand). Cytogenetic location: 2p23.3.
Variant type: single nucleotide variant.
Coding change: c.635A>G on transcript NM_002246.3 (MANE Select); coding-DNA position 635, A replaced by G.
Protein change: p.Gln212Arg; replaces glutamine 212 with arginine.
Molecular consequence: missense variant.
Genome position (GRCh38, 1-based): chr2:26,728,018, A>G. VCF-style: chr2-26728018-A-G. GRCh37 (hg19) VCF-style: chr2-26950886-A-G.
Other names: short protein forms Q212R.
Identifiers: ClinVar variation 4832153 (VCV004832153.1).

ClinVar aggregate classification (germline): Uncertain significance (1 of 4 stars; one submission).

Conditions:
Inborn genetic diseases. Identifiers: MedGen C0950123, MeSH D030342.

Submission:

Ambry Genetics
Classification: Uncertain significance for Inborn genetic diseases. Last evaluated: 2025-12-30. Review status: criteria provided, single submitter. Criteria: Ambry Variant Classification Scheme 2023. Collection method: clinical testing. Allele origin: germline.
Comment: The c.635A>G (p.Q212R) alteration is located in exon 2 (coding exon 2) of the KCNK3 gene. This alteration results from a A to G substitution at nucleotide position 635, causing the glutamine (Q) at amino acid position 212 to be replaced by an arginine (R). Based on data from gnomAD, the G allele has an overall frequency of <0.001% (1/251086) total alleles studied. The highest observed frequency was 0.001% (1/113522) of European (non-Finnish) alleles. Based on insufficient or conflicting evidence, the clinical significance of this alteration remains unclear.